The following is an entry in ClinVar:

NM_001082971.2(DDC):c.85G>A (p.Val29Ile)

Gene: DDC (dopa decarboxylase; minus strand). Cytogenetic location: 7p12.1.
Variant type: single nucleotide variant.
Coding change: c.85G>A on transcript NM_001082971.2 (MANE Select); coding-DNA position 85, G replaced by A.
Protein change: p.Val29Ile; replaces valine 29 with isoleucine.
Molecular consequence: missense variant.
Genome position (GRCh38, 1-based): chr7:50,544,001, C>T on the plus strand (G>A on the coding strand, the complement: DDC is on the minus strand). VCF-style: chr7-50544001-C-T. GRCh37 (hg19) VCF-style: chr7-50611699-C-T.
Other names: c.85G>A, p.Val29Ile (NM_000790.4, NM_001242886.2, NM_001242887.2 and 3 more transcripts); c.85G>A (NM_000790.3); short protein forms V29I.
Identifiers: ClinVar variation 1348497 (VCV001348497.7), dbSNP rs780962952, ClinGen allele CA4262507.

ClinVar aggregate classification (germline): Uncertain significance. Review status: criteria provided, multiple submitters, no conflicts (2 of 4 stars). 2 submissions from 2 submitters: Uncertain significance (2). Last evaluated 2026-04-03.

Conditions:
Inborn genetic diseases. Identifiers: MedGen C0950123, MeSH D030342.
Deficiency of aromatic-L-amino-acid decarboxylase. Also called: Aromatic amino acid decarboxylase deficiency; AADC DEFICIENCY; DDC DEFICIENCY; DOPA DECARBOXYLASE DEFICIENCY; Aromatic L-Amino Acid Decarboxylase Deficiency. Identifiers: Orphanet 35708, MedGen C1291564, MONDO:0012084, OMIM 608643.

Allele frequency attached by ClinVar (database versions not stated): gnomAD exomes 0.00003 and 0.00001; ExAC 0.00001; TOPMed 0.00001; gnomAD 0.00003.
gnomAD v4.1: 50 of 1,614,076 alleles (0.0031%); highest among the groups gnomAD compares: Non-Finnish European, 0.0038%; no homozygotes.

Submissions (2):

Ambry Genetics
Classification: Uncertain significance for Inborn genetic diseases. Last evaluated: 2026-04-03. Review status: criteria provided, single submitter. Criteria: Ambry Variant Classification Scheme 2023. Collection method: clinical testing. Allele origin: germline.
Comment: The c.85G>A (p.V29I) alteration is located in exon 2 (coding exon 1) of the DDC gene. This alteration results from a G to A substitution at nucleotide position 85, causing the valine (V) at amino acid position 29 to be replaced by an isoleucine (I). Based on data from gnomAD, the A allele has an overall frequency of 0.001% (4/282898) total alleles studied. The highest observed frequency was 0.004% (1/25122) of European (Finnish) alleles. Based on insufficient or conflicting evidence, the clinical significance of this alteration remains unclear.

Labcorp Genetics (formerly Invitae), Labcorp
Classification: Uncertain significance for Deficiency of aromatic-L-amino-acid decarboxylase. Last evaluated: 2024-10-24. Review status: criteria provided, single submitter. Criteria: Invitae Variant Classification Sherloc (09022015). Collection method: clinical testing. Allele origin: germline.
Comment: This sequence change replaces valine, which is neutral and non-polar, with isoleucine, which is neutral and non-polar, at codon 29 of the DDC protein (p.Val29Ile). This variant is present in population databases (rs780962952, gnomAD 0.004%). This variant has not been reported in the literature in individuals affected with DDC-related conditions. ClinVar contains an entry for this variant (Variation ID: 1348497). Invitae Evidence Modeling of protein sequence and biophysical properties (such as structural, functional, and spatial information, amino acid conservation, physicochemical variation, residue mobility, and thermodynamic stability) indicates that this missense variant is not expected to disrupt DDC protein function with a negative predictive value of 80%. In summary, the available evidence is currently insufficient to determine the role of this variant in disease. Therefore, it has been classified as a Variant of Uncertain Significance.